The following is an entry in ClinVar:

NM_018297.4(NGLY1):c.1749G>A (p.Trp583Ter)

Gene: NGLY1 (N-glycanase 1; minus strand). Cytogenetic location: 3p24.2.
Variant type: single nucleotide variant.
Coding change: c.1749G>A on transcript NM_018297.4 (MANE Select); coding-DNA position 1749, G replaced by A.
Protein change: p.Trp583Ter; replaces tryptophan 583 with a stop codon.
Molecular consequence: nonsense. On other transcripts: intron variant (1).
Genome position (GRCh38, 1-based): chr3:25,720,054, C>T on the plus strand (G>A on the coding strand, the complement: NGLY1 is on the minus strand). VCF-style: chr3-25720054-C-T. GRCh37 (hg19) VCF-style: chr3-25761545-C-T.
Other names: c.1695G>A, p.Trp565Ter (NM_001145293.2); c.1623G>A, p.Trp541Ter (NM_001145294.2); c.1612-419G>A (NM_001145295.2); short protein forms W565*, W583*, W541*.
Identifiers: ClinVar variation 2858034 (VCV002858034.3), dbSNP rs2470481101, ClinGen allele CA351893956.

ClinVar aggregate classification (germline): Pathogenic (1 of 4 stars; one submission).

Conditions:
Congenital disorder of deglycosylation (CDDG). Identifiers: MedGen C3808991, MONDO:0031376.

Submission:

Labcorp Genetics (formerly Invitae), Labcorp
Classification: Pathogenic for Congenital disorder of deglycosylation. Last evaluated: 2023-04-20. Review status: criteria provided, single submitter. Criteria: Invitae Variant Classification Sherloc (09022015). Collection method: clinical testing. Allele origin: germline.
Comment: This variant disrupts a region of the NGLY1 protein in which other variant(s) (p.Gln631Serfs*7) have been determined to be pathogenic (PMID: 22581936, 24651605, 25900930). This suggests that this is a clinically significant region of the protein, and that variants that disrupt it are likely to be disease-causing. This variant has not been reported in the literature in individuals affected with NGLY1-related conditions. This variant is not present in population databases (gnomAD no frequency). This sequence change creates a premature translational stop signal (p.Trp583*) in the NGLY1 gene. While this is not anticipated to result in nonsense mediated decay, it is expected to disrupt the last 72 amino acid(s) of the NGLY1 protein. For these reasons, this variant has been classified as Pathogenic.

Literature cited by the submitters: PubMed 22581936; PubMed 24651605; PubMed 25900930.